The following is an entry in ClinVar:

ClinVar aggregate classification (germline): Uncertain significance. Review status: criteria provided, multiple submitters, no conflicts (2 of 4 stars). 2 submissions from 2 submitters: Uncertain significance (2). Last evaluated 2025-08-21.

Conditions:
Spastic paraplegia. Identifiers: MedGen C0037772, HP:0001258.
RTN2-related disorder. Also called: RTN2-related condition.

Allele frequency attached by ClinVar (database versions not stated): TOPMed below 0.00001.
gnomAD v4.1: 7 of 1,613,436 alleles (0.00043%); highest among the groups gnomAD compares: Admixed American, 0.01%; no homozygotes.

Submissions (2):

Labcorp Genetics (formerly Invitae), Labcorp
Classification: Uncertain significance for Spastic paraplegia. Last evaluated: 2025-08-21. Review status: criteria provided, single submitter. Criteria: Invitae Variant Classification Sherloc (09022015). Collection method: clinical testing. Allele origin: germline.
Comment: This sequence change replaces isoleucine, which is neutral and non-polar, with methionine, which is neutral and non-polar, at codon 520 of the RTN2 protein (p.Ile520Met). This variant is present in population databases (no rsID available, gnomAD 0.006%). This variant has not been reported in the literature in individuals affected with RTN2-related conditions. ClinVar contains an entry for this variant (Variation ID: 2768298). An algorithm developed to predict the effect of missense changes on protein structure and function (PolyPhen-2) suggests that this variant is likely to be disruptive. In summary, the available evidence is currently insufficient to determine the role of this variant in disease. Therefore, it has been classified as a Variant of Uncertain Significance.

PreventionGenetics, part of Exact Sciences
Classification: Uncertain significance for RTN2-related condition. Last evaluated: 2025-01-31. Review status: criteria provided, single submitter. Criteria: ACMG Guidelines, 2015. Collection method: clinical testing. Allele origin: germline.
Comment: The RTN2 c.1560C>G variant is predicted to result in the amino acid substitution p.Ile520Met. To our knowledge, this variant has not been reported in the literature. This variant is reported in 0.0056% of alleles in individuals of Latino descent in gnomAD. At this time, the clinical significance of this variant is uncertain due to the absence of conclusive functional and genetic evidence.

NM_005619.5(RTN2):c.1560C>G (p.Ile520Met)

Genes: OPA3-RTN2 (OPA3-RTN2 readthrough; minus strand), RTN2 (reticulon 2; minus strand). Cytogenetic location: 19q13.32.
Variant type: single nucleotide variant.
Coding change: c.1560C>G on transcript NM_005619.5 (MANE Select); coding-DNA position 1560, C replaced by G.
Protein change: p.Ile520Met; replaces isoleucine 520 with methionine.
Molecular consequence: missense variant.
Genome position (GRCh38, 1-based): chr19:45,485,786, G>C on the plus strand (C>G on the coding strand, the complement: RTN2 is on the minus strand). VCF-style: chr19-45485786-G-C. GRCh37 (hg19) VCF-style: chr19-45989044-G-C.
Other names: c.1341C>G, p.Ile447Met (NM_206900.3); c.540C>G, p.Ile180Met (NM_206901.3); c.1560C>G (NM_005619.4); short protein forms I180M, I447M, I520M.
Identifiers: ClinVar variation 2768298 (VCV002768298.4), dbSNP rs1159296807, ClinGen allele CA406353321.
Genomic context (GRCh38, chr19:45,485,786, plus strand): 5'-GGATCCGGAGACTGCGGCTGCTGCAGAGGCCAGGGCTCCGGTCCCTGGGATTTTAGCTCG[G>C]ATCCTGAAGGAGAAACAGGTGGGATCACGAGGTGGGGCAAGAGACGCGGGGTGGGCATCT-3'
Protein context (NP_005610.1, residues 510-530): TNQLSHIKAK[Ile520Met]RAKIPGTGAL